The following is an entry in ClinVar:

NM_001134407.3(GRIN2A):c.2267T>A (p.Phe756Tyr)

Gene: GRIN2A (glutamate ionotropic receptor NMDA type subunit 2A; minus strand). Cytogenetic location: 16p13.2.
Variant type: single nucleotide variant.
Coding change: c.2267T>A on transcript NM_001134407.3 (MANE Select); coding-DNA position 2267, T replaced by A.
Protein change: p.Phe756Tyr; replaces phenylalanine 756 with tyrosine.
Molecular consequence: missense variant.
Genome position (GRCh38, 1-based): chr16:9,798,366, A>T on the plus strand (T>A on the coding strand, the complement: GRIN2A is on the minus strand). VCF-style: chr16-9798366-A-T. GRCh37 (hg19) VCF-style: chr16-9892223-A-T.
Other names: c.2267T>A, p.Phe756Tyr (NM_000833.5, NM_001134408.2); c.2267T>A (NM_000833.4); short protein forms F756Y.
Identifiers: ClinVar variation 4745839 (VCV004745839.2).

ClinVar aggregate classification (germline): Uncertain significance. Review status: criteria provided, multiple submitters, no conflicts (2 of 4 stars). 2 submissions from 2 submitters: Uncertain significance (2). Last evaluated 2026-01-26.

Conditions:
Landau-Kleffner syndrome (FESD). Also called: EPILEPSY, FOCAL, WITH SPEECH DISORDER AND WITH OR WITHOUT MENTAL RETARDATION; APHASIA, ACQUIRED, WITH EPILEPSY. Identifiers: Orphanet 1945, Orphanet 725, Orphanet 98818, MedGen C0282512, MONDO:0009509, OMIM 245570.
GRIN2A-related complex neurodevelopmental disorder. Also called: GRIN2A-related condition; GRIN2A-related disorder. Identifiers: MedGen CN379781, MONDO:1060139.

gnomAD v4.1: 1 of 1,614,000 alleles (0.000062%); highest among the groups gnomAD compares: Non-Finnish European, 0.000085%; no homozygotes.

Submissions (2):

PreventionGenetics, part of Exact Sciences
Classification: Uncertain significance for GRIN2A-related condition. Last evaluated: 2026-01-26. Review status: criteria provided, single submitter. Criteria: ACMG Guidelines, 2015. Collection method: clinical testing. Allele origin: germline.
Comment: The GRIN2A c.2267T>A variant is predicted to result in the amino acid substitution p.Phe756Tyr. To our knowledge, this variant has not been reported in the literature. This variant is reported in 0.00088% of alleles in individuals of European (Non-Finnish) descent in gnomAD. At this time, the clinical significance of this variant is uncertain due to the absence of conclusive functional and genetic evidence.

Labcorp Genetics (formerly Invitae), Labcorp
Classification: Uncertain significance for Landau-Kleffner syndrome. Last evaluated: 2025-08-04. Review status: criteria provided, single submitter. Criteria: Invitae Variant Classification Sherloc (09022015). Collection method: clinical testing. Allele origin: germline.
Comment: This sequence change replaces phenylalanine, which is neutral and non-polar, with tyrosine, which is neutral and polar, at codon 756 of the GRIN2A protein (p.Phe756Tyr). This variant is present in population databases (rs760684996, gnomAD 0.0009%). This variant has not been reported in the literature in individuals affected with GRIN2A-related conditions. Invitae Evidence Modeling of protein sequence and biophysical properties (such as structural, functional, and spatial information, amino acid conservation, physicochemical variation, residue mobility, and thermodynamic stability) indicates that this missense variant is expected to disrupt GRIN2A protein function with a positive predictive value of 95%. In summary, the available evidence is currently insufficient to determine the role of this variant in disease. Therefore, it has been classified as a Variant of Uncertain Significance.